The following is an entry in ClinVar:

ClinVar aggregate classification (germline): Likely pathogenic. Review status: criteria provided, multiple submitters, no conflicts (2 of 4 stars). 2 submissions from 2 submitters: Likely pathogenic (2). Last evaluated 2023-07-14.

Conditions:
Deficiency of alpha-mannosidase (MANSA). Also called: Mannosidosis, alpha-, types I and II; Alpha-Mannosidosis; LYSOSOMAL ALPHA-D-MANNOSIDASE DEFICIENCY. Identifiers: Orphanet 61, MedGen C0024748, MONDO:0009561, OMIM 248500.

Submissions (2):

Baylor Genetics
Classification: Likely pathogenic for Deficiency of alpha-mannosidase. Last evaluated: 2023-07-14. Review status: criteria provided, single submitter. Criteria: ACMG Guidelines, 2015. Collection method: clinical testing. Allele origin: unknown.

Myriad Genetics, Inc.
Classification: Likely pathogenic for Deficiency of alpha-mannosidase. Last evaluated: 2020-01-01. Review status: criteria provided, single submitter. Criteria: Myriad Women's Health Autosomal Recessive and X-Linked Classification Criteria (2019). Collection method: clinical testing. Allele origin: unknown.
Comment: NM_000528.3(MAN2B1):c.2752G>T(E918*) is expected to be pathogenic in the context of alpha-mannosidosis. This variant is predicted to lead to an abnormal or absent protein product due to the creation of a premature termination codon in MAN2B1, a gene where loss-of-function variants are known to be pathogenic. Please note: this variant was assessed in the context of healthy population screening.

NM_000528.4(MAN2B1):c.2752G>T (p.Glu918Ter)

Gene: MAN2B1 (mannosidase alpha class 2B member 1; minus strand). Cytogenetic location: 19p13.13.
Variant type: single nucleotide variant.
Coding change: c.2752G>T on transcript NM_000528.4 (MANE Select); coding-DNA position 2752, G replaced by T.
Protein change: p.Glu918Ter; replaces glutamic acid 918 with a stop codon.
Molecular consequence: nonsense.
Genome position (GRCh38, 1-based): chr19:12,647,511, C>A on the plus strand (G>T on the coding strand, the complement: MAN2B1 is on the minus strand). VCF-style: chr19-12647511-C-A. GRCh37 (hg19) VCF-style: chr19-12758325-C-A.
Other names: c.2749G>T, p.Glu917Ter (NM_001173498.2); short protein forms E917*, E918*.
Identifiers: ClinVar variation 983953 (VCV000983953.4), dbSNP rs2023718817, ClinGen allele CA404237908.